The following is an entry in ClinVar:

ClinVar aggregate classification (germline): Uncertain significance (1 of 4 stars; one submission).

gnomAD v4.1: 1 of 1,608,430 alleles (0.000062%); highest among the groups gnomAD compares: Non-Finnish European, 0.000085%; no homozygotes.

Submission:

GeneDx
Classification: Uncertain significance. Last evaluated: 2025-01-31. Review status: criteria provided, single submitter. Criteria: GeneDx Variant Classification Process June 2021. Collection method: clinical testing. Allele origin: germline. Affected: yes.
Comment: Not observed at significant frequency in large population cohorts (gnomAD); In silico analysis supports that this missense variant has a deleterious effect on protein structure/function; Has not been previously published as pathogenic or benign to our knowledge

NM_015057.5(MYCBP2):c.4289G>T (p.Ser1430Ile)

Gene: MYCBP2 (MYC binding protein 2; minus strand). Cytogenetic location: 13q22.3.
Variant type: single nucleotide variant.
Coding change: c.4289G>T on transcript NM_015057.5 (MANE Select); coding-DNA position 4289, G replaced by T.
Protein change: p.Ser1430Ile; replaces serine 1430 with isoleucine.
Molecular consequence: missense variant.
Genome position (GRCh38, 1-based): chr13:77,186,026, C>A on the plus strand (G>T on the coding strand, the complement: MYCBP2 is on the minus strand). VCF-style: chr13-77186026-C-A. GRCh37 (hg19) VCF-style: chr13-77760161-C-A.
Other names: short protein forms S1430I.
Identifiers: ClinVar variation 4072742 (VCV004072742.1).